The following is an entry in ClinVar:

ClinVar aggregate classification (germline): Uncertain significance (1 of 4 stars; one submission).

gnomAD v4.1: 6 of 1,612,132 alleles (0.00037%); highest among the groups gnomAD compares: Middle Eastern, 0.019%; no homozygotes.

Submission:

Labcorp Genetics (formerly Invitae), Labcorp
Classification: Uncertain significance. Last evaluated: 2024-02-15. Review status: criteria provided, single submitter. Criteria: Invitae Variant Classification Sherloc (09022015). Collection method: clinical testing. Allele origin: germline.
Comment: This sequence change replaces glycine, which is neutral and non-polar, with glutamic acid, which is acidic and polar, at codon 375 of the SUCLG2 protein (p.Gly375Glu). This variant is present in population databases (no rsID available, gnomAD 0.0009%). This variant has not been reported in the literature in individuals affected with SUCLG2-related conditions. An algorithm developed to predict the effect of missense changes on protein structure and function (PolyPhen-2) suggests that this variant is likely to be disruptive. In summary, the available evidence is currently insufficient to determine the role of this variant in disease. Therefore, it has been classified as a Variant of Uncertain Significance.

NM_003848.4(SUCLG2):c.1124G>A (p.Gly375Glu)

Gene: SUCLG2 (succinate-CoA ligase GDP-forming subunit beta; minus strand). Cytogenetic location: 3p14.1.
Variant type: single nucleotide variant.
Coding change: c.1124G>A on transcript NM_003848.4 (MANE Select); coding-DNA position 1124, G replaced by A.
Protein change: p.Gly375Glu; replaces glycine 375 with glutamic acid.
Molecular consequence: missense variant.
Genome position (GRCh38, 1-based): chr3:67,400,790, C>T on the plus strand (G>A on the coding strand, the complement: SUCLG2 is on the minus strand). VCF-style: chr3-67400790-C-T. GRCh37 (hg19) VCF-style: chr3-67451214-C-T.
Other names: c.1124G>A, p.Gly375Glu (NM_001177599.2); short protein forms G375E.
Identifiers: ClinVar variation 3636399 (VCV003636399.2).